The following is an entry in ClinVar:

NM_183357.3(ADCY5):c.30G>A (p.Pro10=)

Gene: ADCY5 (adenylate cyclase 5; minus strand). Cytogenetic location: 3q21.1.
Variant type: single nucleotide variant.
Coding change: c.30G>A on transcript NM_183357.3 (MANE Select); coding-DNA position 30, G replaced by A.
Protein change: p.Pro10=; no amino-acid change (proline 10 retained).
Molecular consequence: synonymous variant.
Genome position (GRCh38, 1-based): chr3:123,448,516, C>T on the plus strand (G>A on the coding strand, the complement: ADCY5 is on the minus strand). VCF-style: chr3-123448516-C-T. GRCh37 (hg19) VCF-style: chr3-123167363-C-T.
Other names: c.30G>A, p.Pro10= (NM_001378259.1).
Identifiers: ClinVar variation 1810667 (VCV001810667.7), dbSNP rs1487398554, ClinGen allele CA435438314.
Genomic context (GRCh38, chr3:123,448,516, plus strand): 5'-AGAGCGGTGTTCGGGGCCTCCCCGGGGCGCCGGCGCCGCAGTCTTCTGCGCCGCGTAGCC[C>T]GGGGGGCTCACGCTTTTGGAGCCGGACATCCCCCCCTCGGCCTCGTCGTCTCCTTCCTCC-3'
Protein context (NP_899200.1, residues 1-20): MSGSKSVSP[Pro10=]GYAAQKTAAP

ClinVar aggregate classification (germline): Conflicting classifications of pathogenicity. Review status: criteria provided, conflicting classifications (1 of 4 stars). 2 submissions from 2 submitters: Uncertain significance (1); Likely benign (1). Last evaluated 2025-03-17.

Allele frequency attached by ClinVar (database versions not stated): TOPMed 0.00002; gnomAD exomes below 0.00001; gnomAD 0.00001.

Submissions (2):

Labcorp Genetics (formerly Invitae), Labcorp
Classification: Likely benign. Last evaluated: 2025-03-17. Review status: criteria provided, single submitter. Criteria: Invitae Variant Classification Sherloc (09022015). Collection method: clinical testing. Allele origin: germline.

GeneDx
Classification: Uncertain significance. Last evaluated: 2024-03-13. Review status: criteria provided, single submitter. Criteria: GeneDx Variant Classification Process June 2021. Collection method: clinical testing. Allele origin: germline.
Comment: Not observed at significant frequency in large population cohorts (gnomAD); In silico analysis supports that this variant does not alter splicing; Has not been previously published as pathogenic or benign to our knowledge